The following is an entry in ClinVar:

NC_000007.14:g.(?_117606659)_(117614723_?)dup

Gene: CFTR (CF transmembrane conductance regulator; plus strand). Cytogenetic location: 7q31.2.
Variant type: Duplication.
Identifiers: ClinVar variation 831516 (VCV000831516.5).

ClinVar aggregate classification (germline): Pathogenic (1 of 4 stars; one submission).

Conditions:
Cystic fibrosis (CF). Also called: MUCOVISCIDOSIS. Identifiers: Orphanet 586, MedGen C0010674, MONDO:0009061, OMIM 219700. Disease mechanism: loss of function.

Submission:

Labcorp Genetics (formerly Invitae), Labcorp
Classification: Pathogenic for Cystic fibrosis. Last evaluated: 2022-09-09. Review status: criteria provided, single submitter. Criteria: Invitae Variant Classification Sherloc (09022015). Collection method: clinical testing. Allele origin: germline.
Comment: This variant results in a copy number gain of the genomic region encompassing exon(s) 18-21 of the CFTR gene. While the exact position of this variant cannot be determined from the data, sub-genic copy number gains are generally in tandem (PMID: 25640679). This variant is predicted to be out-of-frame, and may result in an absent or disrupted protein product. Loss-of-function variants in CFTR are known to be pathogenic (PMID: 1695717, 7691345, 9725922). A similar copy number variant has been observed in individual(s) with cystic fibrosis (PMID: 33118704). In at least one individual the data is consistent with being in trans (on the opposite chromosome) from a pathogenic variant. For these reasons, this variant has been classified as Pathogenic.

Literature cited by the submitters: PubMed 25640679; PubMed 1695717; PubMed 7691345; PubMed 9725922; PubMed 33118704.